The following is an entry in ClinVar:

ClinVar aggregate classification (germline): Uncertain significance (1 of 4 stars; one submission).

Submission:

Labcorp Genetics (formerly Invitae), Labcorp
Classification: Uncertain significance. Last evaluated: 2023-11-24. Review status: criteria provided, single submitter. Criteria: Invitae Variant Classification Sherloc (09022015). Collection method: clinical testing. Allele origin: germline.
Comment: This sequence change replaces valine, which is neutral and non-polar, with isoleucine, which is neutral and non-polar, at codon 85 of the KLHL7 protein (p.Val85Ile). This variant is not present in population databases (gnomAD no frequency). This variant has not been reported in the literature in individuals affected with KLHL7-related conditions. An algorithm developed to predict the effect of missense changes on protein structure and function (PolyPhen-2) suggests that this variant is likely to be disruptive. In summary, the available evidence is currently insufficient to determine the role of this variant in disease. Therefore, it has been classified as a Variant of Uncertain Significance.

NM_001031710.3(KLHL7):c.253G>A (p.Val85Ile)

Gene: KLHL7 (kelch like family member 7; plus strand). Cytogenetic location: 7p15.3.
Variant type: single nucleotide variant.
Coding change: c.253G>A on transcript NM_001031710.3 (MANE Select); coding-DNA position 253, G replaced by A.
Protein change: p.Val85Ile; replaces valine 85 with isoleucine.
Molecular consequence: missense variant. On other transcripts: non-coding transcript variant (2).
Genome position (GRCh38, 1-based): chr7:23,124,717, G>A. VCF-style: chr7-23124717-G-A. GRCh37 (hg19) VCF-style: chr7-23164336-G-A.
Other names: c.253G>A, p.Val85Ile (NM_001172428.2); c.109G>A, p.Val37Ile (NM_018846.5); short protein forms V85I, V37I.
Identifiers: ClinVar variation 2694854 (VCV002694854.3), dbSNP rs17857198, ClinGen allele CA366974905.